The following is an entry in ClinVar:

ClinVar aggregate classification (germline): Pathogenic (1 of 4 stars; one submission).

Submission:

Labcorp Genetics (formerly Invitae), Labcorp
Classification: Pathogenic. Last evaluated: 2022-03-10. Review status: criteria provided, single submitter. Criteria: Invitae Variant Classification Sherloc (09022015). Collection method: clinical testing. Allele origin: germline.
Comment: This variant has not been reported in the literature in individuals affected with ADGRV1-related conditions. For these reasons, this variant has been classified as Pathogenic. This variant is not present in population databases (gnomAD no frequency). This sequence change creates a premature translational stop signal (p.Ser5722Alafs*3) in the ADGRV1 gene. It is expected to result in an absent or disrupted protein product. Loss-of-function variants in ADGRV1 are known to be pathogenic (PMID: 19357117, 22135276, 22147658, 26226137, 26667666, 30029497, 32467589).

Literature cited by the submitters: PubMed 19357117; PubMed 22135276; PubMed 22147658; PubMed 26226137; PubMed 26667666; PubMed 30029497; PubMed 32467589.

NM_032119.4(ADGRV1):c.17164_17168del (p.Ser5722fs)

Gene: ADGRV1 (adhesion G protein-coupled receptor V1; plus strand). Cytogenetic location: 5q14.3.
Variant type: Deletion.
Coding change: c.17164_17168del on transcript NM_032119.4 (MANE Select); coding-DNA positions 17164 to 17168, 5 bases deleted (TCTCT; older notation c.17164_17168delTCTCT).
Protein change: p.Ser5722fs; shifts the reading frame from serine 5722.
Molecular consequence: frameshift variant. On other transcripts: non-coding transcript variant (1).
Genome position (GRCh38, 1-based): chr5:90,848,781-90,848,785, TCTCT deleted; deleting any 5 consecutive bases within chr5:90,848,780-90,848,785 gives the same sequence; the c. name uses the placement nearest the transcript's 3' end. VCF-style (leftmost placement, unchanged base first): chr5-90848779-TTTCTC-T. GRCh37 (hg19) VCF-style: chr5-90144596-TTTCTC-T.
Other names: short protein forms S5722fs.
Identifiers: ClinVar variation 1358445 (VCV001358445.6), dbSNP rs2150388709, ClinGen allele CA2573140036.